The following is an entry in ClinVar:

ClinVar aggregate classification (germline): Uncertain significance (1 of 4 stars; one submission).

Conditions:
Developmental and epileptic encephalopathy, 53. Also called: Epileptic encephalopathy, early infantile, 53. Identifiers: MedGen C4479313, MONDO:0033362, OMIM 617389.
Early-onset Parkinson disease 20. Also called: PARKINSON DISEASE 20, AUTOSOMAL RECESSIVE EARLY-ONSET. Identifiers: Orphanet 391411, MedGen C3809824, MONDO:0014233, OMIM 615530.

Allele frequency attached by ClinVar (database versions not stated): gnomAD exomes below 0.00001 and 0.00001; gnomAD 0.00001.
gnomAD v4.1: 5 of 1,614,056 alleles (0.00031%); highest among the groups gnomAD compares: Non-Finnish European, 0.00042%; no homozygotes.

Submission:

Labcorp Genetics (formerly Invitae), Labcorp
Classification: Uncertain significance for Developmental and epileptic encephalopathy, 53; Early-onset Parkinson disease 20. Last evaluated: 2018-11-21. Review status: criteria provided, single submitter. Criteria: Invitae Variant Classification Sherloc (09022015). Collection method: clinical testing. Allele origin: germline.
Comment: This variant has not been reported in the literature in individuals with SYNJ1-related disease. In summary, the available evidence is currently insufficient to determine the role of this variant in disease. Therefore, it has been classified as a Variant of Uncertain Significance. Algorithms developed to predict the effect of missense changes on protein structure and function (SIFT, PolyPhen-2, Align-GVGD) all suggest that this variant is likely to be disruptive, but these predictions have not been confirmed by published functional studies and their clinical significance is uncertain. This variant is not present in population databases (ExAC no frequency). This sequence change replaces tyrosine with cysteine at codon 832 of the SYNJ1 protein (p.Tyr832Cys). The tyrosine residue is highly conserved and there is a large physicochemical difference between tyrosine and cysteine.

NM_203446.3(SYNJ1):c.2378A>G (p.Tyr793Cys)

Gene: SYNJ1 (synaptojanin 1; minus strand). Cytogenetic location: 21q22.11.
Variant type: single nucleotide variant.
Coding change: c.2378A>G on transcript NM_203446.3 (MANE Select); coding-DNA position 2378, A replaced by G.
Protein change: p.Tyr793Cys; replaces tyrosine 793 with cysteine.
Molecular consequence: missense variant.
Genome position (GRCh38, 1-based): chr21:32,657,799, T>C on the plus strand (A>G on the coding strand, the complement: SYNJ1 is on the minus strand). VCF-style: chr21-32657799-T-C. GRCh37 (hg19) VCF-style: chr21-34030109-T-C.
Other names: c.2378A>G, p.Tyr793Cys (NM_001160302.2); c.2363A>G, p.Tyr788Cys (NM_001160306.2); c.2495A>G, p.Tyr832Cys (NM_003895.4); short protein forms Y832C, Y793C, Y788C.
Identifiers: ClinVar variation 579673 (VCV000579673.10), dbSNP rs1283151166, ClinGen allele CA410075420.
Genomic context (GRCh38, chr21:32,657,799, plus strand): 5'-CTCCTTCTCCAAAGGACACGGTCTGTCCAGGCAGGGGTGCGGCACTTTTCACTGGTGTCA[T>C]AGTCGTCAGAAAACAAGTCATACTTATATGTCGGAGCAAAGGTTACCTTTCCTTCTAAAA-3'
Protein context (NP_982271.3, residues 783-803): TYKYDLFSDD[Tyr793Cys]DTSEKCRTPA